The following is an entry in ClinVar:

ClinVar aggregate classification (germline): Benign/Likely benign. Review status: criteria provided, multiple submitters, no conflicts (2 of 4 stars). 3 submissions from 3 submitters: Benign (1); Likely benign (2). Last evaluated 2026-05-14.

Conditions:
Lynch syndrome 4 (LYNCH4). Also called: Hereditary non-polyposis colorectal cancer, type 4; Colorectal cancer, hereditary nonpolyposis, type 4. Identifiers: Orphanet 144, MedGen C1838333, MONDO:0013699, OMIM 614337. Disease mechanism: loss of function.
Hereditary cancer-predisposing syndrome. Also called: Hereditary neoplastic syndrome; Neoplastic Syndromes, Hereditary; Tumor predisposition; Hereditary Cancer Syndrome. Identifiers: Orphanet 140162, MedGen C0027672, MeSH D009386, MONDO:0015356.
Hereditary nonpolyposis colorectal neoplasms. Identifiers: MedGen C0009405, MeSH D003123.

Submissions (3):

Ambry Genetics
Classification: Likely benign for Hereditary cancer-predisposing syndrome. Last evaluated: 2026-05-14. Review status: criteria provided, single submitter. Criteria: Ambry Variant Classification Scheme 2023. Collection method: clinical testing. Allele origin: germline.

Myriad Genetics, Inc.
Classification: Benign for Lynch syndrome 4. Last evaluated: 2025-01-27. Review status: criteria provided, single submitter. Criteria: Myriad Autosomal Dominant, Autosomal Recessive and X-Linked Classification Criteria (2023). Collection method: clinical testing. Allele origin: unknown.
Comment: This variant is considered benign. This variant is a silent/synonymous amino acid change and it is not expected to impact splicing.

Labcorp Genetics (formerly Invitae), Labcorp
Classification: Likely benign for Hereditary nonpolyposis colorectal neoplasms. Last evaluated: 2020-12-04. Review status: criteria provided, single submitter. Criteria: Invitae Variant Classification Sherloc (09022015). Collection method: clinical testing. Allele origin: germline.

NM_000535.7(PMS2):c.468A>G (p.Thr156=)

Gene: PMS2 (PMS1 homolog 2, mismatch repair system component; minus strand). Cytogenetic location: 7p22.1.
Variant type: single nucleotide variant.
Coding change: c.468A>G on transcript NM_000535.7 (MANE Select); coding-DNA position 468, A replaced by G.
Protein change: p.Thr156=; no amino-acid change (threonine 156 retained).
Molecular consequence: synonymous variant. On other transcripts: 5 prime UTR variant (2), non-coding transcript variant (1).
Genome position (GRCh38, 1-based): chr7:6,002,522, T>C on the plus strand (A>G on the coding strand, the complement: PMS2 is on the minus strand). VCF-style: chr7-6002522-T-C. GRCh37 (hg19) VCF-style: chr7-6042153-T-C.
Other names: c.63A>G, p.Thr21= (NM_001322003.2, NM_001322004.2, NM_001322005.2 and 3 more transcripts); c.468A>G, p.Thr156= (NM_001322006.2, NM_001322014.2); c.150A>G, p.Thr50= (NM_001322007.2, NM_001322008.2); c.-417A>G (NM_001322011.2, NM_001322012.2); c.159A>G, p.Thr53= (NM_001322015.2); c.468A>G (NM_000535.5).
Identifiers: ClinVar variation 1085583 (VCV001085583.11), dbSNP rs1364918195, ClinGen allele CA453647636.